The following is an entry in ClinVar:

ClinVar aggregate classification (germline): Uncertain significance (1 of 4 stars; one submission).

Conditions:
Hereditary cancer-predisposing syndrome. Also called: Hereditary neoplastic syndrome; Hereditary Cancer Syndrome; Neoplastic Syndromes, Hereditary; Tumor predisposition. Identifiers: Orphanet 140162, MedGen C0027672, MeSH D009386, MONDO:0015356.

Submission:

Ambry Genetics
Classification: Uncertain significance for Hereditary cancer-predisposing syndrome. Last evaluated: 2023-05-21. Review status: criteria provided, single submitter. Criteria: Ambry Variant Classification Scheme 2023. Collection method: clinical testing. Allele origin: germline.
Comment: The p.A325P variant (also known as c.973G>C), located in coding exon 5 of the RET gene, results from a G to C substitution at nucleotide position 973. The alanine at codon 325 is replaced by proline, an amino acid with highly similar properties. This amino acid position is conserved. In addition, the in silico prediction for this alteration is inconclusive. Since supporting evidence is limited at this time, the clinical significance of this alteration remains unclear.

NM_020975.6(RET):c.973G>C (p.Ala325Pro)

Gene: RET (ret proto-oncogene; plus strand). Cytogenetic location: 10q11.21.
Variant type: single nucleotide variant.
Coding change: c.973G>C on transcript NM_020975.6 (MANE Select); coding-DNA position 973, G replaced by C.
Protein change: p.Ala325Pro; replaces alanine 325 with proline.
Molecular consequence: missense variant. On other transcripts: intron variant (25).
Genome position (GRCh38, 1-based): chr10:43,106,481, G>C. VCF-style: chr10-43106481-G-C. GRCh37 (hg19) VCF-style: chr10-43601929-G-C.
Other names: c.973G>C, p.Ala325Pro (NM_000323.2, NM_001406743.1, NM_001406744.1 and 6 more transcripts); c.211G>C, p.Ala71Pro (NM_001355216.2); c.844G>C, p.Ala282Pro (NM_001406761.1, NM_001406762.1, NM_001406764.1 and 1 more transcripts); c.685G>C, p.Ala229Pro (NM_001406766.1, NM_001406767.1, NM_001406770.1); c.867+1288G>C (NM_001406772.1, NM_001406769.1); c.626-2550G>C (NM_001406773.1, NM_001406771.1); c.625+3852G>C (NM_001406782.1, NM_001406780.1, NM_001406779.1 and 3 more transcripts); c.738+1288G>C (NM_001406774.1); and 5 more; short protein forms A325P, A282P, A229P, A71P.
Identifiers: ClinVar variation 2568368 (VCV002568368.2), dbSNP rs779719517, ClinGen allele CA376546190.